The following is an entry in ClinVar:

ClinVar aggregate classification (germline): Likely benign (0 of 4 stars; one submission).

Conditions:
DYRK1B-related disorder. Also called: DYRK1B-related condition.

gnomAD v4.1: 2 of 1,521,814 alleles (0.00013%); highest among the groups gnomAD compares: Non-Finnish European, 0.00018%; no homozygotes.

Submission:

PreventionGenetics, part of Exact Sciences
Classification: Likely benign for DYRK1B-related condition. Last evaluated: 2024-05-31. Review status: no assertion criteria provided. Collection method: clinical testing. Allele origin: germline.
Comment: This variant is classified as likely benign based on ACMG/AMP sequence variant interpretation guidelines (Richards et al. 2015 PMID: 25741868, with internal and published modifications).

NM_004714.3(DYRK1B):c.1272G>A (p.Gly424=)

Gene: DYRK1B (dual specificity tyrosine phosphorylation regulated kinase 1B; minus strand). Cytogenetic location: 19q13.2.
Variant type: single nucleotide variant.
Coding change: c.1272G>A on transcript NM_004714.3 (MANE Select); coding-DNA position 1272, G replaced by A.
Protein change: p.Gly424=; no amino-acid change (glycine 424 retained).
Molecular consequence: synonymous variant.
Genome position (GRCh38, 1-based): chr19:39,826,811, C>T on the plus strand (G>A on the coding strand, the complement: DYRK1B is on the minus strand). VCF-style: chr19-39826811-C-T. GRCh37 (hg19) VCF-style: chr19-40317451-C-T.
Other names: c.1152G>A, p.Gly384= (NM_006483.3); c.1188G>A, p.Gly396= (NM_006484.3).
Identifiers: ClinVar variation 3353731 (VCV003353731.1).
Genomic context (GRCh38, chr19:39,826,811, plus strand): 5'-TGCCGGGCCCGTGTTGGTGGCCTCGTCGGCCGTGCGGCGGAAGAAGCCGTGCTGCAGAGC[C>T]CCCAGGGGGCTGATGCGGGCGGCGGGCTCATACTCCAGCATGCGCAGCACCAGGTCCTGG-3'
Protein context (NP_004705.1, residues 414-434): YEPAARISPL[Gly424=]ALQHGFFRRT